The following is an entry in ClinVar:

NM_000157.4(GBA1):c.1411C>T (p.Gln471Ter)

Genes: GBA1 (glucosylceramidase beta 1; minus strand), LOC106627981 (GBA recombination region; plus strand). Cytogenetic location: 1q22.
Variant type: single nucleotide variant.
Coding change: c.1411C>T on transcript NM_000157.4 (MANE Select); coding-DNA position 1411, C replaced by T.
Protein change: p.Gln471Ter; replaces glutamine 471 with a stop codon.
Molecular consequence: nonsense.
Genome position (GRCh38, 1-based): chr1:155,235,289, G>A on the plus strand (C>T on the coding strand, the complement: GBA1 is on the minus strand). VCF-style: chr1-155235289-G-A. GRCh37 (hg19) VCF-style: chr1-155205080-G-A.
Other names: c.1411C>T, p.Gln471Ter (NM_001005741.3, NM_001005742.3); c.1150C>T, p.Gln384Ter (NM_001171811.2); c.1264C>T, p.Gln422Ter (NM_001171812.2); short protein forms Q384*, Q422*, Q471*.
Identifiers: ClinVar variation 4817724 (VCV004817724.1).

ClinVar aggregate classification (germline): Likely pathogenic (1 of 4 stars; one submission).

Conditions:
Gaucher disease. Also called: Acute cerebral Gaucher disease; Cerebroside lipidosis syndrome; Gaucher splenomegaly; Sphingolipidosis 1; Glucocerebrosidosis; Glucosylceramidase deficiency. Identifiers: Orphanet 355, MedGen C0017205, MONDO:0018150.

Submission:

Natera, Inc.
Classification: Likely pathogenic for Gaucher disease. Last evaluated: 2025-10-23. Review status: criteria provided, single submitter. Criteria: Natera Variant Classification Schema (03/2026). Collection method: clinical testing. Allele origin: germline.
Comment: The c.1411C>T variant in GBA1 is a nonsense variant predicted to introduce a stop codon at amino acid 471. This variant is expected to result in nonsense mediated decay, truncation, or a dysfunctional protein product. This variant is rare in the general population with a frequency below the threshold expected for the associated phenotype(s). Given the available evidence, this variant is classified as Likely Pathogenic.